The following is an entry in ClinVar:

NM_000038.6(APC):c.835-4336G>T

Gene: APC (APC regulator of WNT signaling pathway; plus strand). Cytogenetic location: 5q22.2.
Variant type: single nucleotide variant.
Coding change: c.835-4336G>T on transcript NM_000038.6 (MANE Select); 4336 bases into the intron before coding-DNA position 835, G replaced by T.
Molecular consequence: intron variant.
Genome position (GRCh38, 1-based): chr5:112,811,159, G>T. VCF-style: chr5-112811159-G-T. GRCh37 (hg19) VCF-style: chr5-112146856-G-T.
Other names: c.835-4336G>T (NM_001354895.2, NM_001127510.3, NM_001354896.2 and 1 more transcripts); c.865-4336G>T (NM_001354897.2, NM_001354902.2); c.781-4336G>T (NM_001127511.3); c.760-4336G>T (NM_001354898.2, NM_001354904.2); c.-16+848G>T (NM_001354906.2); c.751-4336G>T (NM_001354899.2); c.658-4336G>T (NM_001354900.2, NM_001354901.2, NM_001354905.2).
Identifiers: ClinVar variation 83084 (VCV000083084.2), dbSNP rs75999225, ClinGen allele CA015190.
Genomic context (GRCh38, chr5:112,811,159, plus strand): 5'-AAAATGTTGAGGATGTATGGATATTTATAAAGCATTGAATGTGGATGGTACAGGAAAGTT[G>T]GATAGGAAAAAGGACAGTGGGAAATAGTGTCTCACACATTTGGACACTGAGTGTCAGGAA-3'

ClinVar aggregate classification (germline): other (0 of 4 stars; one submission).

Conditions:
Familial colorectal cancer. Identifiers: MedGen CN280943, MONDO:0023113. Disease mechanism: loss of function.

Submission:

Systems Biology Platform Zhejiang California International NanoSystems Institute
Classification: other for Familial colorectal cancer. Review status: no assertion criteria provided. Collection method: not provided. Allele origin: unknown.
ClinVar note: Converted during submission from cancer to other.